The following is an entry in ClinVar:

ClinVar aggregate classification (germline): Uncertain significance. Review status: criteria provided, multiple submitters, no conflicts (2 of 4 stars). 2 submissions from 2 submitters: Uncertain significance (2). Last evaluated 2025-10-21.

Conditions:
Hereditary cancer-predisposing syndrome. Also called: Neoplastic Syndromes, Hereditary; Hereditary Cancer Syndrome; Hereditary neoplastic syndrome; Tumor predisposition. Identifiers: Orphanet 140162, MedGen C0027672, MeSH D009386, MONDO:0015356.

Allele frequency attached by ClinVar (database versions not stated): gnomAD exomes below 0.00001.
gnomAD v4.1: 1 of 1,603,062 alleles (0.000062%); highest among the groups gnomAD compares: Non-Finnish European, 0.000085%; no homozygotes.

Submissions (2):

Ambry Genetics
Classification: Uncertain significance for Hereditary cancer-predisposing syndrome. Last evaluated: 2025-10-21. Review status: criteria provided, single submitter. Criteria: Ambry Variant Classification Scheme 2023. Collection method: clinical testing. Allele origin: germline.
Comment: The p.E1715K variant (also known as c.5143G>A), located in coding exon 38 of the POLE gene, results from a G to A substitution at nucleotide position 5143. The glutamic acid at codon 1715 is replaced by lysine, an amino acid with similar properties. This amino acid position is highly conserved in available vertebrate species. In addition, the in silico prediction for this alteration is inconclusive. Based on the available evidence, the clinical significance of this variant remains unclear.

Labcorp Genetics (formerly Invitae), Labcorp
Classification: Uncertain significance. Last evaluated: 2021-04-17. Review status: criteria provided, single submitter. Criteria: Invitae Variant Classification Sherloc (09022015). Collection method: clinical testing. Allele origin: germline.
Comment: In summary, the available evidence is currently insufficient to determine the role of this variant in disease. Therefore, it has been classified as a Variant of Uncertain Significance. Algorithms developed to predict the effect of missense changes on protein structure and function are either unavailable or do not agree on the potential impact of this missense change (SIFT: "Tolerated"; PolyPhen-2: "Possibly Damaging"; Align-GVGD: "Class C0"). This variant has not been reported in the literature in individuals with POLE-related conditions. This variant is not present in population databases (ExAC no frequency). This sequence change replaces glutamic acid with lysine at codon 1715 of the POLE protein (p.Glu1715Lys). The glutamic acid residue is moderately conserved and there is a small physicochemical difference between glutamic acid and lysine.

NM_006231.4(POLE):c.5143G>A (p.Glu1715Lys)

Gene: POLE (DNA polymerase epsilon, catalytic subunit; minus strand). Cytogenetic location: 12q24.33.
Variant type: single nucleotide variant.
Coding change: c.5143G>A on transcript NM_006231.4 (MANE Select); coding-DNA position 5143, G replaced by A.
Protein change: p.Glu1715Lys; replaces glutamic acid 1715 with lysine.
Molecular consequence: missense variant.
Genome position (GRCh38, 1-based): chr12:132,642,207, C>T on the plus strand (G>A on the coding strand, the complement: POLE is on the minus strand). VCF-style: chr12-132642207-C-T. GRCh37 (hg19) VCF-style: chr12-133218793-C-T.
Other names: c.5143G>A (NM_006231.2); short protein forms E1715K.
Identifiers: ClinVar variation 1422158 (VCV001422158.9), dbSNP rs1368719601, ClinGen allele CA387376728.